The following is an entry in ClinVar:

NM_001287.6(CLCN7):c.2120_2125dup (p.705RL[3])

Gene: CLCN7 (chloride voltage-gated channel 7; minus strand). Cytogenetic location: 16p13.3.
Variant type: Duplication.
Coding change: c.2120_2125dup on transcript NM_001287.6 (MANE Select); coding-DNA positions 2120 to 2125, 6 bases duplicated (GGCTGA; older notation c.2120_2125dupGGCTGA).
Protein change: p.705RL[3].
Molecular consequence: inframe insertion.
Genome position (GRCh38, 1-based): chr16:1,447,517-1,447,522, TCAGCC duplicated on the plus strand (GGCTGA on the coding strand, the reverse complement: CLCN7 is on the minus strand); duplicating any 6 consecutive bases within chr16:1,447,517-1,447,526 gives the same sequence; the c. name uses the placement nearest the transcript's 3' end. VCF-style (leftmost placement, unchanged base first): chr16-1447516-T-TTCAGCC. GRCh37 (hg19) VCF-style: chr16-1497517-T-TTCAGCC.
Other names: c.2048_2053dup, p.681RL[3] (NM_001114331.3).
Identifiers: ClinVar variation 1358567 (VCV001358567.8), dbSNP rs1834559620, ClinGen allele CA2201646900.
Genomic context (GRCh38, chr16:1,447,516, plus strand): 5'-TCCTGGGACACGTGGATGGACTGGATGGGTGGGAAGCGCGGGTAGGCGTCTCGGAAGTCC[T>TTCAGCC]TCAGCCTCAGGCGCCGCTGTACCAGGCCCAGGTTGGACCGCTCCACAAACACCTGCGGGC-3'

ClinVar aggregate classification (germline): Uncertain significance (1 of 4 stars; one submission).

Submission:

Labcorp Genetics (formerly Invitae), Labcorp
Classification: Uncertain significance. Last evaluated: 2021-06-02. Review status: criteria provided, single submitter. Criteria: Invitae Variant Classification Sherloc (09022015). Collection method: clinical testing. Allele origin: germline.
Comment: This variant, c.2120_2125dup, results in the insertion of 2 amino acid(s) to the CLCN7 protein (p.Arg707_Leu708dup), but otherwise preserves the integrity of the reading frame. This variant is not present in population databases (ExAC no frequency). This variant has not been reported in the literature in individuals with CLCN7-related conditions. Experimental studies and prediction algorithms are not available or were not evaluated, and the functional significance of this variant is currently unknown. In summary, the available evidence is currently insufficient to determine the role of this variant in disease. Therefore, it has been classified as a Variant of Uncertain Significance.